The following is an entry in ClinVar:

ClinVar aggregate classification (germline): Benign/Likely benign. Review status: criteria provided, multiple submitters, no conflicts (2 of 4 stars). 5 submissions from 5 submitters: Benign (4); Likely benign (1). Last evaluated 2026-08-01.

Conditions:
Inborn genetic diseases. Identifiers: MedGen C0950123, MeSH D030342.
Developmental and epileptic encephalopathy, 30 (DEE30). Also called: Epileptic encephalopathy, early infantile, 30. Identifiers: MedGen C4225360, MONDO:0014595, OMIM 616341.

Allele frequency attached by ClinVar (database versions not stated): gnomAD exomes 0.00163; ExAC 0.00221; gnomAD 0.00609; ESP Exome Variant Server 0.00730; 1000 Genomes Project 0.00859.

Submissions (5):

CeGaT Center for Human Genetics Tuebingen
Classification: Likely benign. Last evaluated: 2026-08-01. Review status: criteria provided, single submitter. Criteria: CeGaT Center For Human Genetics Tuebingen Variant Classification Criteria Version 2. Collection method: clinical testing. Allele origin: germline. Affected: yes. Observed: 1 variant allele.
Comment: SIK1: BP4, BP7

Labcorp Genetics (formerly Invitae), Labcorp
Classification: Benign for Developmental and epileptic encephalopathy, 30. Last evaluated: 2026-01-28. Review status: criteria provided, single submitter. Criteria: Invitae Variant Classification Sherloc (09022015). Collection method: clinical testing. Allele origin: germline.

Athena Diagnostics
Classification: Benign. Last evaluated: 2023-11-02. Review status: criteria provided, single submitter. Criteria: Athena Diagnostics Criteria. Collection method: clinical testing. Allele origin: unknown.

Ambry Genetics
Classification: Benign for Inborn genetic diseases. Last evaluated: 2016-06-21. Review status: criteria provided, single submitter. Criteria: Ambry Variant Classification Scheme 2023. Collection method: clinical testing. Allele origin: germline.

Breakthrough Genomics
Classification: Benign. Review status: criteria provided, single submitter. Criteria: ACMG Guidelines, 2015. Collection method: not provided. Allele origin: germline. Inheritance: Autosomal dominant inheritance. Affected: yes.

NM_173354.5(SIK1):c.930T>C (p.Gly310=)

Gene: SIK1 (salt inducible kinase 1; minus strand). Cytogenetic location: 21q22.3.
Variant type: single nucleotide variant.
Coding change: c.930T>C on transcript NM_173354.5 (MANE Select); coding-DNA position 930, T replaced by C.
Protein change: p.Gly310=; no amino-acid change (glycine 310 retained).
Molecular consequence: synonymous variant.
Genome position (GRCh38, 1-based): chr21:43,420,276, A>G on the plus strand (T>C on the coding strand, the complement: SIK1 is on the minus strand). VCF-style: chr21-43420276-A-G. GRCh37 (hg19) VCF-style: chr21-44840156-A-G.
Identifiers: ClinVar variation 476111 (VCV000476111.20), dbSNP rs112660017, ClinGen allele CA321326734.